The following is an entry in ClinVar:

NM_001384140.1(PCDH15):c.1917+233G>A

Gene: PCDH15 (protocadherin related 15; minus strand). Cytogenetic location: 10q21.1.
Variant type: single nucleotide variant.
Coding change: c.1917+233G>A on transcript NM_001384140.1 (MANE Select); 233 bases into the intron after coding-DNA position 1917, G replaced by A.
Molecular consequence: intron variant.
Genome position (GRCh38, 1-based): chr10:54,132,642, C>T on the plus strand (G>A on the coding strand, the complement: PCDH15 is on the minus strand). VCF-style: chr10-54132642-C-T. GRCh37 (hg19) VCF-style: chr10-55892402-C-T.
Other names: NC_000010.10:g.55892402C>T; c.1917+233G>A (NM_001354420.2, NM_001354429.2, NM_001142772.2 and 5 more transcripts); c.1932+233G>A (NM_001142771.2, NM_001142763.2); c.1938+233G>A (NM_001354411.2); c.1953+233G>A (NM_001142769.3); c.1851+233G>A (NM_001354404.2, NM_001142773.2, NM_001142768.2); c.1806+233G>A (NM_001142767.2); c.1784+20458G>A (NM_001142765.2).
Identifiers: ClinVar variation 678850 (VCV000678850.2), dbSNP rs7914232, ClinGen allele CA13307881.

ClinVar aggregate classification (germline): Benign (1 of 4 stars; one submission).

Allele frequency attached by ClinVar (database versions not stated): 1000 Genomes Project 30x 0.32042; gnomAD 0.32203 and 0.32572; TOPMed 0.32334; 1000 Genomes Project 0.31090.
gnomAD v4.1: 48,770 of 152,042 alleles (32%); highest among the groups gnomAD compares: African/African-American, 51%; 9,188 homozygotes.

Submissions (3):

GeneDx
Classification: Benign. Last evaluated: 2018-06-14. Review status: criteria provided, single submitter. Criteria: GeneDx Variant Classification (06012015). Collection method: clinical testing. Allele origin: germline. Affected: yes.
Comment: This variant is considered likely benign or benign based on one or more of the following criteria: it is a conservative change, it occurs at a poorly conserved position in the protein, it is predicted to be benign by multiple in silico algorithms, and/or has population frequency not consistent with disease.

Dr. Peter K. Rogan Lab, Western University
No classification provided (evidence only). Condition: Cholangiocarcinoma. Review status: no classification provided. Collection method: in vitro. Allele origin: not applicable. Functional consequence: retained intron. Not counted in ClinVar's aggregate classification.

Dr. Peter K. Rogan Lab, Western University
No classification provided (evidence only). Condition: Uterine carcinosarcoma. Review status: no classification provided. Collection method: in vitro. Allele origin: not applicable. Functional consequence: retained intron. Not counted in ClinVar's aggregate classification.